The following is an entry in ClinVar:

NM_000891.3(KCNJ2):c.1045G>A (p.Glu349Lys)

Gene: KCNJ2 (potassium inwardly rectifying channel subfamily J member 2; plus strand). Cytogenetic location: 17q24.3.
Variant type: single nucleotide variant.
Coding change: c.1045G>A on transcript NM_000891.3 (MANE Select); coding-DNA position 1045, G replaced by A.
Protein change: p.Glu349Lys; replaces glutamic acid 349 with lysine.
Molecular consequence: missense variant.
Genome position (GRCh38, 1-based): chr17:70,176,084, G>A. VCF-style: chr17-70176084-G-A. GRCh37 (hg19) VCF-style: chr17-68172225-G-A.
Other names: p.E349K:GAA>AAA; p.Glu349Lys; short protein forms E349K.
Identifiers: ClinVar variation 190818 (VCV000190818.16), dbSNP rs375330016, ClinGen allele CA302061.

ClinVar aggregate classification (germline): Conflicting classifications of pathogenicity. Review status: criteria provided, conflicting classifications (1 of 4 stars). 5 submissions from 5 submitters: Uncertain significance (3); Benign (1); Likely benign (1). Last evaluated 2025-11-05.

Conditions:
Cardiovascular phenotype. Identifiers: MedGen CN230736.
Andersen Tawil syndrome (LQT7). Also called: PERIODIC PARALYSIS, POTASSIUM-SENSITIVE CARDIODYSRHYTHMIC TYPE; LONG QT SYNDROME 7; ANDERSEN CARDIODYSRHYTHMIC PERIODIC PARALYSIS; Andersen Syndrome; Potassium-sensitive periodic paralysis, ventricular ectopy, and dysmorphic features. Identifiers: Orphanet 37553, MedGen C1563715, MONDO:0008222, OMIM 170390.
Atrial fibrillation, familial, 9 (ATFB9). Identifiers: MedGen C3151431, MONDO:0013513, OMIM 613980.
Short QT syndrome type 3. Identifiers: Orphanet 51083, MedGen C1865018, MONDO:0012314, OMIM 609622.

Allele frequency attached by ClinVar (database versions not stated): gnomAD exomes 0.00001 and 0.00004; ExAC 0.00004; gnomAD 0.00014 and 0.00015; TOPMed 0.00018; ESP Exome Variant Server 0.00031.

Submissions (5):

Labcorp Genetics (formerly Invitae), Labcorp
Classification: Likely benign for Short QT syndrome type 3; Andersen Tawil syndrome. Last evaluated: 2025-11-05. Review status: criteria provided, single submitter. Criteria: Invitae Variant Classification Sherloc (09022015). Collection method: clinical testing. Allele origin: germline.

Mayo Clinic Laboratories, Mayo Clinic
Classification: Uncertain significance. Last evaluated: 2025-11-02. Review status: criteria provided, single submitter. Criteria: ACMG Guidelines, 2015. Collection method: clinical testing. Allele origin: germline. Observed: 1 variant allele.
Comment: BS2, PP3

GeneDx
Classification: Uncertain significance. Last evaluated: 2025-03-03. Review status: criteria provided, single submitter. Criteria: GeneDx Variant Classification Process June 2021. Collection method: clinical testing. Allele origin: germline. Affected: yes.
Comment: Identified in a case of Sudden Infant Death Syndrome (SIDS) in published literature (PMID: 32145446); A published functional study suggests the p.(E349K) variant results in no change of inward rectification compared to wildtype (PMID: 12407079); In silico analysis supports that this missense variant has a deleterious effect on protein structure/function; This variant is associated with the following publications: (PMID: 12407079, 32145446)

Ambry Genetics
Classification: Benign for Cardiovascular phenotype. Last evaluated: 2023-08-24. Review status: criteria provided, single submitter. Criteria: Ambry Variant Classification Scheme 2023. Collection method: clinical testing. Allele origin: germline.

Fulgent Genetics
Classification: Uncertain significance for Andersen Tawil syndrome; Short QT syndrome type 3; Atrial fibrillation, familial, 9. Last evaluated: 2022-04-26. Review status: criteria provided, single submitter. Criteria: ACMG Guidelines, 2015. Collection method: clinical testing. Allele origin: unknown.

Literature cited by the submitters: PubMed 32145446 (cited by Mayo Clinic Laboratories, Mayo Clinic and Ambry Genetics).